The following is an entry in ClinVar:

ClinVar aggregate classification (germline): Pathogenic/Likely pathogenic. Review status: criteria provided, multiple submitters, no conflicts (2 of 4 stars). 8 submissions from 8 submitters: Pathogenic (7); Likely pathogenic (1). Last evaluated 2025-11-13.

Conditions:
Polycystic kidney disease 2 (PKD2). Also called: POLYCYSTIC KIDNEY DISEASE 2 WITH OR WITHOUT POLYCYSTIC LIVER DISEASE; POLYCYSTIC KIDNEY DISEASE, ADULT, TYPE II; Polycystic Kidney Disease 2, Autosomal Dominant. Identifiers: MedGen C2751306, MONDO:0013131, OMIM 613095.
PKD2-related disorder. Also called: PKD2-related condition.
Autosomal dominant polycystic kidney disease. Identifiers: Orphanet 730, MedGen C0085413, MONDO:0004691.
Inborn genetic diseases. Identifiers: MedGen C0950123, MeSH D030342.

gnomAD v4.1: 1 of 1,563,034 alleles (0.000064%); highest among the groups gnomAD compares: Non-Finnish European, 0.000088%; no homozygotes.

Submissions (8):

Variantyx, Inc.
Classification: Pathogenic for Polycystic kidney disease 2. Last evaluated: 2025-11-13. Review status: criteria provided, single submitter. Criteria: Variantyx Assertion Criteria 2022. Collection method: clinical testing. Allele origin: germline. Inheritance: Autosomal dominant inheritance.
Comment: This is a nonsense variant in the PKD2 gene (OMIM: 173910). Pathogenic variants in this gene have been associated with autosomal dominant polycystic kidney disease 2. This variant introduces a premature termination codon in exon 9 out of 15 and is expected to result in loss of function, which is a known disease mechanism for PKD2 in this disorder (PMID: 17582161, 22863349, 21551026, 31740684) (PVS1). This variant has been reported in at least 2 affected individuals (PMID: 31740684, 21551026) (PS4) and has a 0.0001% maximum allele frequency in non-founder control populations (PM2). Based on the current evidence, this variant is classified as pathogenic for autosomal dominant polycystic kidney disease 2.

Labcorp Genetics (formerly Invitae), Labcorp
Classification: Pathogenic for Autosomal dominant polycystic kidney disease. Last evaluated: 2025-04-17. Review status: criteria provided, single submitter. Criteria: Invitae Variant Classification Sherloc (09022015). Collection method: clinical testing. Allele origin: germline.
Comment: This sequence change creates a premature translational stop signal (p.Arg654*) in the PKD2 gene. It is expected to result in an absent or disrupted protein product. Loss-of-function variants in PKD2 are known to be pathogenic (PMID: 17582161, 22863349). This variant is not present in population databases (gnomAD no frequency). This premature translational stop signal has been observed in individual(s) with autosomal dominant polycystic kidney disease (PMID: 31740684, 36938073). ClinVar contains an entry for this variant (Variation ID: 1699622). Algorithms developed to predict the effect of sequence changes on RNA splicing suggest that this variant may disrupt the consensus splice site. For these reasons, this variant has been classified as Pathogenic.

GeneDx
Classification: Pathogenic. Last evaluated: 2025-03-14. Review status: criteria provided, single submitter. Criteria: GeneDx Variant Classification Process June 2021. Collection method: clinical testing. Allele origin: germline.
Comment: Not observed at significant frequency in large population cohorts (gnomAD); Nonsense variant predicted to result in protein truncation or nonsense mediated decay in a gene for which loss of function is a known mechanism of disease; This variant is associated with the following publications: (PMID: 31740684, 22508176, 21551026, 23300259, 36938073, 37509056)

PreventionGenetics, part of Exact Sciences
Classification: Pathogenic for PKD2-related condition. Last evaluated: 2025-03-07. Review status: criteria provided, single submitter. Criteria: ACMG Guidelines, 2015. Collection method: clinical testing. Allele origin: germline.
Comment: The PKD2 c.1960C>T variant is predicted to result in premature protein termination (p.Arg654*). This variant has been reported in individuals with autosomal dominant polycystic kidney disease (ADPKD) (see for example, Irazabal et al. 2011. PubMed ID: 21551026; Supplementary Table S6D, Kim et al. 2019. PubMed ID: 31740684). This variant has not been reported in a large population database (gnomAD), indicating this variant is rare. Nonsense variants in PKD2 are expected to be pathogenic. This variant is interpreted as pathogenic.

Fulgent Genetics
Classification: Pathogenic for Polycystic kidney disease 2. Last evaluated: 2024-05-09. Review status: criteria provided, single submitter. Criteria: ACMG Guidelines, 2015. Collection method: clinical testing. Allele origin: germline.

Equipe Genetique des Anomalies du Developpement, Université de Bourgogne
Classification: Pathogenic for Polycystic kidney disease 2. Last evaluated: 2023-08-24. Review status: criteria provided, single submitter. Criteria: ACMG Guidelines, 2015. Collection method: clinical testing. Allele origin: unknown. Inheritance: Autosomal dominant inheritance. Affected: yes.

Genetic Services Laboratory, University of Chicago
Classification: Likely pathogenic. Last evaluated: 2023-06-09. Review status: criteria provided, single submitter. Criteria: ACMG Guidelines, 2015. Collection method: clinical testing. Allele origin: germline. Affected: yes.
Comment: DNA sequence analysis of the PKD2 gene demonstrated a sequence change, c.1960C>T, which results in the creation of a premature stop codon at amino acid position 654 p.Arg654*. This sequence change is predicted to result in an abnormal transcript, which may be degraded, or may lead to the production of a truncated PKD2 protein with potentially abnormal function. This sequence change has not been described in population databases such as ExAC and gnomAD. This sequence change has previously been described in several individuals with polycystic kidney disease (PMID: 21551026, 31740684). These collective evidences indicate that this sequence change is pathogenic, however functional studies have not been performed to prove this conclusively.

Ambry Genetics
Classification: Pathogenic for Inborn genetic diseases. Last evaluated: 2023-04-24. Review status: criteria provided, single submitter. Criteria: Ambry Variant Classification Scheme 2023. Collection method: clinical testing. Allele origin: germline.
Comment: The c.1960C>T (p.R654*) alteration, located in exon 9 (coding exon 9) of the PKD2 gene, consists of a C to T substitution at nucleotide position 1960. This changes the amino acid from a arginine (R) to a stop codon at amino acid position 654. This alteration is expected to result in loss of function by premature protein truncation or nonsense-mediated mRNA decay. This variant was not reported in population-based cohorts in the Genome Aggregation Database (gnomAD). This mutation has been identified in several individuals with polycystic kidney disease (Audr&eacute;zet, 2012; Neumann, 2013; Chang, 2013; Kinoshita, 2016; Kim, 2019). Based on the available evidence, this alteration is classified as pathogenic.

Literature cited by the submitters: PubMed 17582161 (cited by Variantyx, Inc. and Labcorp Genetics (formerly Invitae), Labcorp); PubMed 22863349 (cited by Variantyx, Inc. and Labcorp Genetics (formerly Invitae), Labcorp); PubMed 21551026 (cited by Variantyx, Inc.); PubMed 31740684 (cited by 3 submitters); PubMed 36938073 (cited by Labcorp Genetics (formerly Invitae), Labcorp); PubMed 22508176 (cited by Ambry Genetics); PubMed 23300259 (cited by Ambry Genetics); PubMed 23985799 (cited by Ambry Genetics); PubMed 27835667 (cited by Ambry Genetics).

NM_000297.4(PKD2):c.1960C>T (p.Arg654Ter)

Gene: PKD2 (polycystin 2, transient receptor potential cation channel; plus strand). Cytogenetic location: 4q22.1.
Variant type: single nucleotide variant.
Coding change: c.1960C>T on transcript NM_000297.4 (MANE Select); coding-DNA position 1960, C replaced by T.
Protein change: p.Arg654Ter; replaces arginine 654 with a stop codon.
Molecular consequence: nonsense.
Genome position (GRCh38, 1-based): chr4:88,058,044, C>T. VCF-style: chr4-88058044-C-T. GRCh37 (hg19) VCF-style: chr4-88979196-C-T.
Other names: short protein forms R654*.
Identifiers: ClinVar variation 1699622 (VCV001699622.12), dbSNP rs146396414, ClinGen allele CA357623165.